The following is an entry in ClinVar:

ClinVar aggregate classification (germline): Uncertain significance (1 of 4 stars; one submission).

Conditions:
Immunodeficiency 39 (IMD39). Identifiers: Orphanet 574918, MedGen C4225358, MONDO:0014597, OMIM 616345.

Submission:

Labcorp Genetics (formerly Invitae), Labcorp
Classification: Uncertain significance for Immunodeficiency 39. Last evaluated: 2025-11-16. Review status: criteria provided, single submitter. Criteria: Invitae Variant Classification Sherloc (09022015). Collection method: clinical testing. Allele origin: germline.
Comment: This variant results in the deletion of exon 3 and part of exon 4 (c.433+26_508del) of the IRF7 gene. It is expected to disrupt RNA splicing. Variants that disrupt the donor or acceptor splice site typically lead to a loss of protein function (PMID: 16199547), however the current clinical and genetic evidence is not sufficient to establish whether loss-of-function variants in IRF7 cause disease. This variant is not present in population databases (gnomAD no frequency). This variant has not been reported in the literature in individuals affected with IRF7-related conditions. In summary, the available evidence is currently insufficient to determine the role of this variant in disease. Therefore, it has been classified as a Variant of Uncertain Significance.

Literature cited by the submitters: PubMed 16199547.

NM_001572.5(IRF7):c.394+26_469del

Gene: IRF7 (interferon regulatory factor 7; minus strand). Cytogenetic location: 11p15.5.
Variant type: Deletion.
Coding change: c.394+26_469del on transcript NM_001572.5 (MANE Select); 26 bases into the intron after coding-DNA position 394 through coding-DNA position 469, 388 bases deleted.
Molecular consequence: splice acceptor variant, splice donor variant.
Genome position (GRCh38, 1-based): chr11:614,384-614,771, 388 bases deleted. GRCh37 (hg19): chr11:614,389-614,776.
Other names: c.394+26_469del (NM_004029.4); c.433+26_508del (NM_004031.4).
Identifiers: ClinVar variation 2772084 (VCV002772084.3), dbSNP rs2493929182, ClinGen allele CA2697558808.